The following is an entry in ClinVar:

ClinVar aggregate classification (germline): Likely pathogenic (1 of 4 stars; one submission).

Conditions:
Alpha thalassemia-X-linked intellectual disability syndrome (ATRX). Also called: ALPHA-THALASSEMIA/MENTAL RETARDATION SYNDROME, X-LINKED; ATR, NONDELETION TYPE; ATR-X syndrome; Alpha thalassemia mental retardation syndrome, nondeletion type, X-linked; XLMR hypotonic face syndrome; X-linked alpha-thalassemia-mental retardation syndrome. Identifiers: Orphanet 847, MedGen C1845055, MONDO:0010519, OMIM 301040.

Submission:

Natera, Inc.
Classification: Likely pathogenic for X-linked alpha-thalassemia-mental retardation syndrome. Last evaluated: 2025-10-16. Review status: criteria provided, single submitter. Criteria: Natera Variant Classification Schema (03/2026). Collection method: clinical testing. Allele origin: germline.
Comment: The c.2093dup variant in ATRX is a frameshift variant predicted to shift the reading frame beginning at codon 699 and leads to a stop codon 2 codons downstream. This variant is expected to result in nonsense mediated decay, truncation, or a dysfunctional protein product. This variant is rare in the general population with a frequency below the threshold expected for the associated phenotype(s). Given the available evidence, this variant is classified as Likely Pathogenic.

NM_000489.6(ATRX):c.2093dup (p.Asp699fs)

Gene: ATRX (ATRX chromatin remodeler; minus strand). Cytogenetic location: Xq21.1.
Variant type: Duplication.
Coding change: c.2093dup on transcript NM_000489.6 (MANE Select); coding-DNA position 2093, one base duplicated (A; older notation c.2093dupA).
Protein change: p.Asp699fs; shifts the reading frame from aspartic acid 699.
Molecular consequence: frameshift variant.
Genome position (GRCh38, 1-based): chrX:77,683,163, T duplicated on the plus strand (A on the coding strand, the reverse complement: ATRX is on the minus strand); the first of 6 consecutive T bases (chrX:77,683,163-77,683,168); duplicating any one gives the same sequence. VCF-style (leftmost placement, unchanged base first): chrX-77683162-C-CT. GRCh37 (hg19) VCF-style: chrX-76938654-C-CT.
Other names: c.2093dup (NM_000489.5); c.1979dup, p.Asp661fs (NM_138270.5); short protein forms D661fs, D699fs.
Identifiers: ClinVar variation 4818456 (VCV004818456.1).
Genomic context (GRCh38, chrX:77,683,162, plus strand): 5'-TTTTGGCAATTTATTAGGCTTAGGATTATCTATAGCACTGTCAGAAGAATTACGCTTATC[C>CT]TTTTTTCTCACTGGAACTGATAGTTTTTGTTTCTCCTTAACTGTTTCATTACATTCTTCA-3'